The following is an entry in ClinVar:

ClinVar aggregate classification (germline): Conflicting classifications of pathogenicity. Review status: criteria provided, conflicting classifications (1 of 4 stars). 3 submissions from 3 submitters: Uncertain significance (2); Likely benign (1). Last evaluated 2025-08-10.

Conditions:
Inborn genetic diseases. Identifiers: MedGen C0950123, MeSH D030342.

Allele frequency attached by ClinVar (database versions not stated): ExAC 0.00003; gnomAD 0.00003 and 0.00004; gnomAD exomes 0.00004 and 0.00008; TOPMed 0.00005; ESP Exome Variant Server 0.00008.
gnomAD v4.1: 122 of 1,613,298 alleles (0.0076%); highest among the groups gnomAD compares: Non-Finnish European, 0.0097%; no homozygotes.

Submissions (3):

GeneDx
Classification: Uncertain significance. Last evaluated: 2025-08-10. Review status: criteria provided, single submitter. Criteria: GeneDx Variant Classification Process June 2021. Collection method: clinical testing. Allele origin: germline. Affected: yes.
Comment: In silico analysis suggests that this missense variant does not alter protein structure/function; Has not been previously published as pathogenic or benign to our knowledge

Ambry Genetics
Classification: Likely benign for Inborn genetic diseases. Last evaluated: 2022-07-26. Review status: criteria provided, single submitter. Criteria: Ambry Variant Classification Scheme 2023. Collection method: clinical testing. Allele origin: germline.

Labcorp Genetics (formerly Invitae), Labcorp
Classification: Uncertain significance. Last evaluated: 2021-08-28. Review status: criteria provided, single submitter. Criteria: Invitae Variant Classification Sherloc (09022015). Collection method: clinical testing. Allele origin: germline.
Comment: This sequence change replaces glutamic acid with lysine at codon 416 of the CRB2 protein (p.Glu416Lys). The glutamic acid residue is weakly conserved and there is a small physicochemical difference between glutamic acid and lysine. This variant is present in population databases (rs199630307, ExAC 0.01%). This variant has not been reported in the literature in individuals affected with CRB2-related conditions. Advanced modeling of protein sequence and biophysical properties (such as structural, functional, and spatial information, amino acid conservation, physicochemical variation, residue mobility, and thermodynamic stability) performed at Invitae indicates that this missense variant is not expected to disrupt CRB2 protein function. In summary, the available evidence is currently insufficient to determine the role of this variant in disease. Therefore, it has been classified as a Variant of Uncertain Significance.

NM_173689.7(CRB2):c.1246G>A (p.Glu416Lys)

Gene: CRB2 (crumbs cell polarity complex component 2; plus strand). Cytogenetic location: 9q33.3.
Variant type: single nucleotide variant.
Coding change: c.1246G>A on transcript NM_173689.7 (MANE Select); coding-DNA position 1246, G replaced by A.
Protein change: p.Glu416Lys; replaces glutamic acid 416 with lysine.
Molecular consequence: missense variant. On other transcripts: non-coding transcript variant (1).
Genome position (GRCh38, 1-based): chr9:123,370,299, G>A. VCF-style: chr9-123370299-G-A. GRCh37 (hg19) VCF-style: chr9-126132578-G-A.
Other names: c.1246G>A (NM_173689.5, NM_173689.6); short protein forms E416K.
Identifiers: ClinVar variation 1413243 (VCV001413243.8), dbSNP rs199630307, ClinGen allele CA5231936.